The following is an entry in ClinVar:

NM_001367624.2(ZNF469):c.8185A>G (p.Met2729Val)

Gene: ZNF469 (zinc finger protein 469; plus strand). Cytogenetic location: 16q24.2.
Variant type: single nucleotide variant.
Coding change: c.8185A>G on transcript NM_001367624.2 (MANE Select); coding-DNA position 8185, A replaced by G.
Protein change: p.Met2729Val; replaces methionine 2729 with valine.
Molecular consequence: missense variant.
Genome position (GRCh38, 1-based): chr16:88,435,655, A>G. VCF-style: chr16-88435655-A-G. GRCh37 (hg19) VCF-style: chr16-88502063-A-G.
Other names: NM_001127464.1:c.8101A>G; short protein forms M2729V.
Identifiers: ClinVar variation 1706885 (VCV001706885.3), dbSNP rs1305509907, ClinGen allele CA397116405.

ClinVar aggregate classification (germline): Uncertain significance (1 of 4 stars; one submission).

Allele frequency attached by ClinVar (database versions not stated): gnomAD 0.00001; gnomAD exomes 0.00003; 1000 Genomes Project 30x 0.00016.
gnomAD v4.1: 35 of 1,550,482 alleles (0.0023%); highest among the groups gnomAD compares: East Asian, 0.086%; no homozygotes.

Submission:

GeneDx
Classification: Uncertain significance. Last evaluated: 2023-10-20. Review status: criteria provided, single submitter. Criteria: GeneDx Variant Classification Process June 2021. Collection method: clinical testing. Allele origin: germline. Affected: yes.
Comment: Not observed at significant frequency in large population cohorts (gnomAD); In silico analysis supports that this missense variant does not alter protein structure/function; Has not been previously published as pathogenic or benign to our knowledge